The following is an entry in ClinVar:

NM_001378457.1(DMXL2):c.7312C>T (p.Pro2438Ser)

Gene: DMXL2 (Dmx like 2; minus strand). Cytogenetic location: 15q21.2.
Variant type: single nucleotide variant.
Coding change: c.7312C>T on transcript NM_001378457.1 (MANE Select); coding-DNA position 7312, C replaced by T.
Protein change: p.Pro2438Ser; replaces proline 2438 with serine.
Molecular consequence: missense variant. On other transcripts: non-coding transcript variant (2).
Genome position (GRCh38, 1-based): chr15:51,471,303, G>A on the plus strand (C>T on the coding strand, the complement: DMXL2 is on the minus strand). VCF-style: chr15-51471303-G-A. GRCh37 (hg19) VCF-style: chr15-51763500-G-A.
Other names: c.7312C>T, p.Pro2438Ser (NM_001174116.3, NM_001378459.1, NM_001378461.1 and 1 more transcripts); c.5401C>T, p.Pro1801Ser (NM_001174117.3); c.7309C>T, p.Pro2437Ser (NM_001378458.1, NM_001378462.1, NM_015263.5); c.5290C>T, p.Pro1764Ser (NM_001378460.1); c.7069C>T, p.Pro2357Ser (NM_001378464.1); c.7312C>T (NM_001174116.1); short protein forms P1764S, P1801S, P2357S, P2437S, P2438S.
Identifiers: ClinVar variation 1342372 (VCV001342372.4), dbSNP rs142404836, ClinGen allele CA7561361.
Genomic context (GRCh38, chr15:51,471,303, plus strand): 5'-ACATACTAAGTTCGGGAGGAATAAATTTTTCTTTGTAAGATGGTCTTTCTGCAGGCACCG[G>A]TGGTGGGGTAGCATCTTTTACAGGCCTTCCAGGGACGAGCATTCTCATGTTAAATCTCCT-3'
Protein context (NP_001365386.1, residues 2428-2448): GRPVKDATPP[Pro2438Ser]VPAERPSYKE

ClinVar aggregate classification (germline): Uncertain significance. Review status: criteria provided, multiple submitters, no conflicts (2 of 4 stars). 3 submissions from 3 submitters: Uncertain significance (3). Last evaluated 2022-03-19.

Conditions:
Developmental and epileptic encephalopathy, 81. Also called: EPILEPTIC ENCEPHALOPATHY, EARLY INFANTILE, 81. Identifiers: MedGen C5231450, MONDO:0032858, OMIM 618663.
Inborn genetic diseases. Identifiers: MedGen C0950123, MeSH D030342.

Allele frequency attached by ClinVar (database versions not stated): ExAC 0.00002; gnomAD 0.00002 and 0.00003; gnomAD exomes 0.00003; TOPMed 0.00003; ESP Exome Variant Server 0.00008.
gnomAD v4.1: 69 of 1,613,900 alleles (0.0043%); highest among the groups gnomAD compares: Non-Finnish European, 0.0055%; no homozygotes.

Submissions (3):

Labcorp Genetics (formerly Invitae), Labcorp
Classification: Uncertain significance. Last evaluated: 2022-03-19. Review status: criteria provided, single submitter. Criteria: Invitae Variant Classification Sherloc (09022015). Collection method: clinical testing. Allele origin: germline.
Comment: This sequence change replaces proline, which is neutral and non-polar, with serine, which is neutral and polar, at codon 2438 of the DMXL2 protein (p.Pro2438Ser). This variant is present in population databases (rs142404836, gnomAD 0.007%). This variant has not been reported in the literature in individuals affected with DMXL2-related conditions. Algorithms developed to predict the effect of missense changes on protein structure and function are either unavailable or do not agree on the potential impact of this missense change (SIFT: "Tolerated"; PolyPhen-2: "Probably Damaging"; Align-GVGD: "Class C0"). In summary, the available evidence is currently insufficient to determine the role of this variant in disease. Therefore, it has been classified as a Variant of Uncertain Significance.

Ambry Genetics
Classification: Uncertain significance for Inborn genetic diseases. Last evaluated: 2021-08-13. Review status: criteria provided, single submitter. Criteria: Ambry Variant Classification Scheme 2023. Collection method: clinical testing. Allele origin: germline.

New York Genome Center
Classification: Uncertain significance for Developmental and epileptic encephalopathy, 81. Last evaluated: 2021-03-05. Review status: criteria provided, single submitter. Criteria: NYGC Assertion Criteria 2020. Collection method: clinical testing. Allele origin: inherited. Observed: 1 compound heterozygote. Study: CSER-NYCKidSeq.